The following is an entry in ClinVar:

NM_001146.5(ANGPT1):c.849T>G (p.Phe283Leu)

Gene: ANGPT1 (angiopoietin 1; minus strand). Cytogenetic location: 8q23.1.
Variant type: single nucleotide variant.
Coding change: c.849T>G on transcript NM_001146.5 (MANE Select); coding-DNA position 849, T replaced by G.
Protein change: p.Phe283Leu; replaces phenylalanine 283 with leucine.
Molecular consequence: missense variant.
Genome position (GRCh38, 1-based): chr8:107,303,327, A>C on the plus strand (T>G on the coding strand, the complement: ANGPT1 is on the minus strand). VCF-style: chr8-107303327-A-C. GRCh37 (hg19) VCF-style: chr8-108315555-A-C.
Other names: c.846T>G, p.Phe282Leu (NM_001199859.3); c.249T>G, p.Phe83Leu (NM_001314051.2); short protein forms F83L, F283L, F282L.
Identifiers: ClinVar variation 1521000 (VCV001521000.8), dbSNP rs1270150679, ClinGen allele CA372033403.

ClinVar aggregate classification (germline): Uncertain significance (1 of 4 stars; one submission).

Allele frequency attached by ClinVar (database versions not stated): gnomAD exomes below 0.00001.

Submission:

Labcorp Genetics (formerly Invitae), Labcorp
Classification: Uncertain significance. Last evaluated: 2022-07-19. Review status: criteria provided, single submitter. Criteria: Invitae Variant Classification Sherloc (09022015). Collection method: clinical testing. Allele origin: germline.
Comment: In summary, the available evidence is currently insufficient to determine the role of this variant in disease. Therefore, it has been classified as a Variant of Uncertain Significance. Algorithms developed to predict the effect of missense changes on protein structure and function (SIFT, PolyPhen-2, Align-GVGD) all suggest that this variant is likely to be tolerated. ClinVar contains an entry for this variant (Variation ID: 1521000). This variant has not been reported in the literature in individuals affected with ANGPT1-related conditions. This variant is present in population databases (no rsID available, gnomAD 0.003%). This sequence change replaces phenylalanine, which is neutral and non-polar, with leucine, which is neutral and non-polar, at codon 283 of the ANGPT1 protein (p.Phe283Leu).